The following is an entry in ClinVar:

ClinVar aggregate classification (germline): Likely benign (1 of 4 stars; one submission).

Allele frequency attached by ClinVar (database versions not stated): gnomAD exomes 0.00131; gnomAD 0.00772 and 0.00788; TOPMed 0.00803; 1000 Genomes Project 0.01418.
gnomAD v4.1: 1,372 of 352,750 alleles (0.39%); highest among the groups gnomAD compares: African/African-American, 2.7%; 12 homozygotes.

Submission:

GeneDx
Classification: Likely benign. Last evaluated: 2021-12-20. Review status: criteria provided, single submitter. Criteria: GeneDx Variant Classification Process June 2021. Collection method: clinical testing. Allele origin: germline. Affected: yes.
Comment: See Variant Classification Assertion Criteria.

NM_003742.4(ABCB11):c.390-89A>T

Gene: ABCB11 (ATP binding cassette subfamily B member 11; minus strand). Cytogenetic location: 2q31.1.
Variant type: single nucleotide variant.
Coding change: c.390-89A>T on transcript NM_003742.4 (MANE Select); 89 bases into the intron before coding-DNA position 390, A replaced by T.
Molecular consequence: intron variant.
Genome position (GRCh38, 1-based): chr2:168,996,811, T>A on the plus strand (A>T on the coding strand, the complement: ABCB11 is on the minus strand). VCF-style: chr2-168996811-T-A. GRCh37 (hg19) VCF-style: chr2-169853321-T-A.
Identifiers: ClinVar variation 1693067 (VCV001693067.2), dbSNP rs546799530, ClinGen allele CA59898955.